The following is an entry in ClinVar:

NM_002576.5(PAK1):c.1085A>T (p.Asp362Val)

Gene: PAK1 (p21 (RAC1) activated kinase 1; minus strand). Cytogenetic location: 11q13.5.
Variant type: single nucleotide variant.
Coding change: c.1085A>T on transcript NM_002576.5 (MANE Select); coding-DNA position 1085, A replaced by T.
Protein change: p.Asp362Val; replaces aspartic acid 362 with valine.
Molecular consequence: missense variant. On other transcripts: non-coding transcript variant (2).
Genome position (GRCh38, 1-based): chr11:77,340,677, T>A on the plus strand (A>T on the coding strand, the complement: PAK1 is on the minus strand). VCF-style: chr11-77340677-T-A. GRCh37 (hg19) VCF-style: chr11-77051722-T-A.
Other names: c.1085A>T, p.Asp362Val (NM_001128620.2, NM_001376268.1, NM_001376269.1 and 23 more transcripts); c.1106A>T, p.Asp369Val (NM_001376272.1); c.1076A>T, p.Asp359Val (NM_001376294.1); c.908A>T, p.Asp303Val (NM_001376295.1); c.836A>T, p.Asp279Val (NM_001376301.1); c.791A>T, p.Asp264Val (NM_001376302.1, NM_001376304.1, NM_001376305.1); c.797A>T, p.Asp266Val (NM_001376303.1); short protein forms D264V, D369V, D359V, D266V, D279V, D362V, D303V.
Identifiers: ClinVar variation 4714833 (VCV004714833.1).

ClinVar aggregate classification (germline): Uncertain significance (1 of 4 stars; one submission).

Submission:

Labcorp Genetics (formerly Invitae), Labcorp
Classification: Uncertain significance. Last evaluated: 2025-03-11. Review status: criteria provided, single submitter. Criteria: Invitae Variant Classification Sherloc (09022015). Collection method: clinical testing. Allele origin: germline.
Comment: This sequence change replaces aspartic acid, which is acidic and polar, with valine, which is neutral and non-polar, at codon 362 of the PAK1 protein (p.Asp362Val). This variant is not present in population databases (gnomAD no frequency). This variant has not been reported in the literature in individuals affected with PAK1-related conditions. An algorithm developed to predict the effect of missense changes on protein structure and function (PolyPhen-2) suggests that this variant is likely to be tolerated. In summary, the available evidence is currently insufficient to determine the role of this variant in disease. Therefore, it has been classified as a Variant of Uncertain Significance.